The following is an entry in ClinVar:

NM_032444.4(SLX4):c.1444C>G (p.Gln482Glu)

Gene: SLX4 (SLX4 structure-specific endonuclease subunit; minus strand). Cytogenetic location: 16p13.3.
Variant type: single nucleotide variant.
Coding change: c.1444C>G on transcript NM_032444.4 (MANE Select); coding-DNA position 1444, C replaced by G.
Protein change: p.Gln482Glu; replaces glutamine 482 with glutamic acid.
Molecular consequence: missense variant.
Genome position (GRCh38, 1-based): chr16:3,597,618, G>C on the plus strand (C>G on the coding strand, the complement: SLX4 is on the minus strand). VCF-style: chr16-3597618-G-C. GRCh37 (hg19) VCF-style: chr16-3647619-G-C.
Other names: c.1444C>G (LRG_503t1); short protein forms Q482E.
Identifiers: ClinVar variation 580213 (VCV000580213.8), dbSNP rs1567174047, ClinGen allele CA394529059.

ClinVar aggregate classification (germline): Uncertain significance (1 of 4 stars; one submission).

Conditions:
Fanconi anemia (FA). Also called: Fanconi's anemia. Identifiers: Orphanet 84, MedGen C0015625, MeSH D005199, MONDO:0019391.

Allele frequency attached by ClinVar (database versions not stated): gnomAD exomes below 0.00001.
gnomAD v4.1: 1 of 1,614,112 alleles (0.000062%); highest among the groups gnomAD compares: Middle Eastern, 0.016%; no homozygotes.

Submission:

Labcorp Genetics (formerly Invitae), Labcorp
Classification: Uncertain significance for Fanconi anemia. Last evaluated: 2021-08-27. Review status: criteria provided, single submitter. Criteria: Invitae Variant Classification Sherloc (09022015). Collection method: clinical testing. Allele origin: germline.
Comment: This sequence change replaces glutamine with glutamic acid at codon 482 of the SLX4 protein (p.Gln482Glu). The glutamine residue is moderately conserved and there is a small physicochemical difference between glutamine and glutamic acid. This variant is not present in population databases (ExAC no frequency). This variant has not been reported in the literature in individuals affected with SLX4-related conditions. Algorithms developed to predict the effect of missense changes on protein structure and function are either unavailable or do not agree on the potential impact of this missense change (SIFT: "Tolerated"; PolyPhen-2: "Possibly Damaging"; Align-GVGD: "Class C0"). In summary, the available evidence is currently insufficient to determine the role of this variant in disease. Therefore, it has been classified as a Variant of Uncertain Significance.